The following is an entry in ClinVar:

NM_000059.4(BRCA2):c.3277del (p.Ser1093fs)

Gene: BRCA2 (BRCA2 DNA repair associated; plus strand). Cytogenetic location: 13q13.1.
Variant type: Deletion.
Coding change: c.3277del on transcript NM_000059.4 (MANE Select); coding-DNA position 3277, one base deleted (T; older notation c.3277delT).
Protein change: p.Ser1093fs; shifts the reading frame from serine 1093.
Molecular consequence: frameshift variant.
Genome position (GRCh38, 1-based): chr13:32,337,632, T deleted; the last of 4 consecutive T bases (chr13:32,337,629-32,337,632); deleting any one gives the same sequence. VCF-style (leftmost placement, unchanged base first): chr13-32337628-AT-A. GRCh37 (hg19) VCF-style: chr13-32911765-AT-A.
Other names: 3505delT; c.3277delT (NM_000059.3).
Identifiers: ClinVar variation 51443 (VCV000051443.5), dbSNP rs276174833, ClinGen allele CA017695.

ClinVar aggregate classification (germline): Pathogenic. Review status: reviewed by expert panel (3 of 4 stars). 3 submissions from 3 submitters: Pathogenic (1). 2 of the submissions do not count toward it. Last evaluated 2016-09-08.

Conditions:
Breast-ovarian cancer, familial, susceptibility to, 2 (BROVCA2). Also called: BRCA2 Hereditary Breast and Ovarian Cancer. Identifiers: Orphanet 145, MedGen C2675520, MONDO:0012933, OMIM 612555. Disease mechanism: loss of function.

Submissions (3):

Evidence-based Network for the Interpretation of Germline Mutant Alleles (ENIGMA)
Classification: Pathogenic for Breast-ovarian cancer, familial, susceptibility to, 2. Last evaluated: 2016-09-08. Review status: reviewed by expert panel. Criteria: ENIGMA BRCA1/2 Classification Criteria (2015). Collection method: curation. Allele origin: germline.
Comment: Variant allele predicted to encode a truncated non-functional protein.

Consortium of Investigators of Modifiers of BRCA1/2 (CIMBA), c/o University of Cambridge
Classification: Pathogenic for Breast-ovarian cancer, familial, susceptibility to, 2. Last evaluated: 2015-10-02. Review status: criteria provided, single submitter. Criteria: CIMBA Mutation Classification guidelines May 2016. Collection method: clinical testing. Allele origin: germline. Not counted in ClinVar's aggregate classification.

Breast Cancer Information Core (BIC) (BRCA2)
Classification: Pathogenic for Breast-ovarian cancer, familial 2. Last evaluated: 2010-12-17. Review status: no assertion criteria provided. Collection method: clinical testing. Allele origin: germline. Affected: yes. Observed: 1 variant allele. Not counted in ClinVar's aggregate classification.